The following is an entry in ClinVar:

NM_020975.6(RET):c.626-5C>T

Gene: RET (ret proto-oncogene; plus strand). Cytogenetic location: 10q11.21.
Variant type: single nucleotide variant.
Coding change: c.626-5C>T on transcript NM_020975.6 (MANE Select); 5 bases into the intron before coding-DNA position 626, C replaced by T.
Molecular consequence: intron variant. On other transcripts: 5 prime UTR variant (1).
Genome position (GRCh38, 1-based): chr10:43,104,947, C>T. VCF-style: chr10-43104947-C-T. GRCh37 (hg19) VCF-style: chr10-43600395-C-T.
Other names: c.-142C>T (NM_001355216.2); c.626-5C>T (NM_020630.7, NM_001406743.1, NM_001406744.1 and 6 more transcripts); c.625+2318C>T (NM_001406773.1, NM_001406771.1, NM_001406782.1 and 5 more transcripts); c.497-5C>T (NM_001406764.1, NM_001406762.1, NM_001406761.1 and 2 more transcripts); c.496+2318C>T (NM_001406786.1, NM_001406783.1); c.338-5C>T (NM_001406770.1, NM_001406766.1, NM_001406767.1); c.338-4084C>T (NM_001406778.1, NM_001406775.1, NM_001406776.1 and 1 more transcripts); c.337+4225C>T (NM_001406790.1, NM_001406788.1, NM_001406789.1 and 1 more transcripts); and 2 more.
Identifiers: ClinVar variation 1752512 (VCV001752512.2), dbSNP rs945104794, ClinGen allele CA206256778.

ClinVar aggregate classification (germline): Uncertain significance (1 of 4 stars; one submission).

Conditions:
Hereditary cancer-predisposing syndrome. Also called: Hereditary Cancer Syndrome; Hereditary neoplastic syndrome; Neoplastic Syndromes, Hereditary; Tumor predisposition. Identifiers: Orphanet 140162, MedGen C0027672, MeSH D009386, MONDO:0015356.

Allele frequency attached by ClinVar (database versions not stated): gnomAD exomes 0.00001.
gnomAD v4.1: 3 of 1,558,714 alleles (0.00019%); highest among the groups gnomAD compares: African/African-American, 0.0013%; no homozygotes.

Submission:

Ambry Genetics
Classification: Uncertain significance for Hereditary cancer-predisposing syndrome. Last evaluated: 2020-10-28. Review status: criteria provided, single submitter. Criteria: Ambry Variant Classification Scheme 2023. Collection method: clinical testing. Allele origin: germline.
Comment: The c.626-5C>T intronic variant results from a C to T substitution 5 nucleotides upstream from coding exon 4 in the RET gene. This nucleotide position is not well conserved in available vertebrate species. In silico splice site analysis predicts that this alteration will not have any significant effect on splicing. Since supporting evidence is limited at this time, the clinical significance of this alteration remains unclear.